The following is an entry in ClinVar:

ClinVar aggregate classification (germline): Uncertain significance. Review status: criteria provided, multiple submitters, no conflicts (2 of 4 stars). 3 submissions from 3 submitters: Uncertain significance (3). Last evaluated 2025-08-16.

Allele frequency attached by ClinVar (database versions not stated): gnomAD exomes 0.00001 and 0.00002; ExAC 0.00002; TOPMed 0.00003; gnomAD 0.00004; ESP Exome Variant Server 0.00008.
gnomAD v4.1: 28 of 1,613,950 alleles (0.0017%); highest among the groups gnomAD compares: Non-Finnish European, 0.0022%; no homozygotes.

Submissions (3):

Labcorp Genetics (formerly Invitae), Labcorp
Classification: Uncertain significance. Last evaluated: 2025-08-16. Review status: criteria provided, single submitter. Criteria: Invitae Variant Classification Sherloc (09022015). Collection method: clinical testing. Allele origin: germline.
Comment: This sequence change replaces lysine, which is basic and polar, with glutamic acid, which is acidic and polar, at codon 31 of the PLA2G5 protein (p.Lys31Glu). This variant is present in population databases (rs372362269, gnomAD 0.004%). This variant has not been reported in the literature in individuals affected with PLA2G5-related conditions. ClinVar contains an entry for this variant (Variation ID: 1062101). An algorithm developed to predict the effect of missense changes on protein structure and function outputs the following: PolyPhen-2: "Benign". The glutamic acid amino acid residue is found in multiple mammalian species, which suggests that this missense change does not adversely affect protein function. In summary, the available evidence is currently insufficient to determine the role of this variant in disease. Therefore, it has been classified as a Variant of Uncertain Significance.

Ambry Genetics
Classification: Uncertain significance. Last evaluated: 2025-01-18. Review status: criteria provided, single submitter. Criteria: Ambry Variant Classification Scheme 2023. Collection method: clinical testing. Allele origin: germline.

Blueprint Genetics
Classification: Uncertain significance. Last evaluated: 2019-12-16. Review status: criteria provided, single submitter. Criteria: ACMG Guidelines, 2015. Collection method: clinical testing. Allele origin: germline.

NM_000929.3(PLA2G5):c.91A>G (p.Lys31Glu)

Gene: PLA2G5 (phospholipase A2 group V; plus strand). Cytogenetic location: 1p36.13.
Variant type: single nucleotide variant.
Coding change: c.91A>G on transcript NM_000929.3 (MANE Select); coding-DNA position 91, A replaced by G.
Protein change: p.Lys31Glu; replaces lysine 31 with glutamic acid.
Molecular consequence: missense variant.
Genome position (GRCh38, 1-based): chr1:20,086,133, A>G. VCF-style: chr1-20086133-A-G. GRCh37 (hg19) VCF-style: chr1-20412626-A-G.
Other names: c.91A>G (NM_000929.2); short protein forms K31E.
Identifiers: ClinVar variation 1062101 (VCV001062101.11), dbSNP rs372362269, ClinGen allele CA658172.